The following is an entry in ClinVar:

ClinVar aggregate classification (germline): Uncertain significance (1 of 4 stars; one submission).

gnomAD v4.1: 22 of 1,607,320 alleles (0.0014%); highest among the groups gnomAD compares: African/African-American, 0.019%; no homozygotes.

Submission:

Labcorp Genetics (formerly Invitae), Labcorp
Classification: Uncertain significance. Last evaluated: 2024-02-03. Review status: criteria provided, single submitter. Criteria: Invitae Variant Classification Sherloc (09022015). Collection method: clinical testing. Allele origin: germline.
Comment: This sequence change replaces serine, which is neutral and polar, with leucine, which is neutral and non-polar, at codon 911 of the ANKRD26 protein (p.Ser911Leu). This variant is present in population databases (rs373167535, gnomAD 0.04%). This variant has not been reported in the literature in individuals affected with ANKRD26-related conditions. Algorithms developed to predict the effect of missense changes on protein structure and function output the following: SIFT: "Not Available"; PolyPhen-2: "Benign"; Align-GVGD: "Not Available". The leucine amino acid residue is found in multiple mammalian species, which suggests that this missense change does not adversely affect protein function. In summary, the available evidence is currently insufficient to determine the role of this variant in disease. Therefore, it has been classified as a Variant of Uncertain Significance.

NM_014915.3(ANKRD26):c.2732C>T (p.Ser911Leu)

Gene: ANKRD26 (ankyrin repeat domain 26; minus strand). Cytogenetic location: 10p12.1.
Variant type: single nucleotide variant.
Coding change: c.2732C>T on transcript NM_014915.3 (MANE Select); coding-DNA position 2732, C replaced by T.
Protein change: p.Ser911Leu; replaces serine 911 with leucine.
Molecular consequence: missense variant.
Genome position (GRCh38, 1-based): chr10:27,035,718, G>A on the plus strand (C>T on the coding strand, the complement: ANKRD26 is on the minus strand). VCF-style: chr10-27035718-G-A. GRCh37 (hg19) VCF-style: chr10-27324647-G-A.
Other names: c.2729C>T, p.Ser910Leu (NM_001256053.2); short protein forms S911L, S910L.
Identifiers: ClinVar variation 3665066 (VCV003665066.2).
Genomic context (GRCh38, chr10:27,035,718, plus strand): 5'-ATTGTGTCTATTTCTAGTCTTAGCATAGCAATTTCTTCCTGCAACATGCTATTTTTATGC[G>A]ATAGGTCTTTTTCTTCTTCATGACTATGAGAATTCTAAGTAAAACAAAGGAAACTTTGAG-3'
Protein context (NP_055730.2, residues 901-921): SHSHEEEKDL[Ser911Leu]HKNSMLQEEI